The following is an entry in ClinVar:

NM_000038.6(APC):c.6473C>G (p.Pro2158Arg)

Gene: APC (APC regulator of Wnt signaling pathway; plus strand). Cytogenetic location: 5q22.2.
Variant type: single nucleotide variant.
Coding change: c.6473C>G on transcript NM_000038.6 (MANE Select); coding-DNA position 6473, C replaced by G.
Protein change: p.Pro2158Arg; replaces proline 2158 with arginine.
Molecular consequence: missense variant.
Genome position (GRCh38, 1-based): chr5:112,842,067, C>G. VCF-style: chr5-112842067-C-G. GRCh37 (hg19) VCF-style: chr5-112177764-C-G.
Other names: p.P2158R:CCC>CGC; c.6473C>G, p.Pro2158Arg (NM_001127510.3, NM_001354895.2); c.6419C>G, p.Pro2140Arg (NM_001127511.3); c.6527C>G, p.Pro2176Arg (NM_001354896.2); c.6503C>G, p.Pro2168Arg (NM_001354897.2); c.6398C>G, p.Pro2133Arg (NM_001354898.2); c.6389C>G, p.Pro2130Arg (NM_001354899.2); c.6350C>G, p.Pro2117Arg (NM_001354900.2); and 6 more; short protein forms P2158R, P2140R, P2057R, P2117R, P2133R, P1998R, P2032R, P2067R.
Identifiers: ClinVar variation 127313 (VCV000127313.43), dbSNP rs587779804, ClinGen allele CA012210.

ClinVar aggregate classification (germline): Conflicting classifications of pathogenicity. Review status: criteria provided, conflicting classifications (1 of 4 stars). 15 submissions from 15 submitters: Uncertain significance (10); Likely benign (4). 1 of the submissions does not count toward it. Last evaluated 2026-06-27.

Conditions:
APC-related disorder. Also called: APC-related condition.
Classic or attenuated familial adenomatous polyposis. Identifiers: MedGen CN372698, MONDO:0021057.
Hereditary cancer-predisposing syndrome. Also called: Neoplastic Syndromes, Hereditary; Tumor predisposition; Hereditary Cancer Syndrome; Hereditary neoplastic syndrome. Identifiers: Orphanet 140162, MedGen C0027672, MeSH D009386, MONDO:0015356.
Familial adenomatous polyposis 1 (FAP1). Also called: FAMILIAL ADENOMATOUS POLYPOSIS 1, ATTENUATED; POLYPOSIS, ADENOMATOUS INTESTINAL. Identifiers: MedGen C2713442, MONDO:0021056, OMIM 175100. Disease mechanism: loss of function.

Allele frequency attached by ClinVar (database versions not stated): ExAC 0.00005; gnomAD exomes 0.00005; gnomAD 0.00007; TOPMed 0.00010.
gnomAD v4.1: 174 of 1,612,082 alleles (0.011%); highest among the groups gnomAD compares: Non-Finnish European, 0.014%; no homozygotes.

Submissions (15):

PreventionGenetics, part of Exact Sciences
Classification: Likely benign for APC-related condition. Last evaluated: 2026-06-27. Review status: criteria provided, single submitter. Criteria: ACMG Guidelines, 2015. Collection method: clinical testing. Allele origin: germline.
Comment: This variant is classified as likely benign based on ACMG/AMP sequence variant interpretation guidelines (Richards et al. 2015 PMID: 25741868, with internal and published modifications).

Institute for Biomarker Research, Medical Diagnostic Laboratories, L.L.C.
Classification: Uncertain significance for Hereditary cancer-predisposing syndrome. Last evaluated: 2026-05-05. Review status: criteria provided, single submitter. Criteria: ACMG Guidelines, 2015. Collection method: clinical testing. Allele origin: germline.
Comment: The missense variant NM_000038.6(APC):c.6473C>G (p.Pro2158Arg) is not currently classified as pathogenic in clinical sources (Accession: VCV000127313.40). There is a moderate physicochemical difference between proline and arginine. The p.Pro2158Arg missense variant is predicted to be damaging by both SIFT and PolyPhen2. The proline residue at codon 2158 of APC is conserved in all mammalian species. For these reasons, this variant has been classified as Uncertain Significance.

Labcorp Genetics (formerly Invitae), Labcorp
Classification: Likely benign for Familial adenomatous polyposis 1. Last evaluated: 2026-01-20. Review status: criteria provided, single submitter. Criteria: Invitae Variant Classification Sherloc (09022015). Collection method: clinical testing. Allele origin: germline.

Quest Diagnostics Nichols Institute San Juan Capistrano
Classification: Uncertain significance. Last evaluated: 2025-08-05. Review status: criteria provided, single submitter. Criteria: Quest Diagnostics criteria. Collection method: clinical testing. Allele origin: unknown.
Comment: The APC c.6473C>G (p.Pro2158Arg) variant has been reported in the published literature in individuals with colorectal cancer (PMID: 27978560 (2016)), breast cancer (PMID: 25186627 (2015)), and colonic adenomas/polyps (PMID: 34326862 (2021), 18199528 (2008)). This variant has also been observed in a pediatric case of acute myeloid leukemia (PMID: 26580448 (2015)). The frequency of this variant in the general population (Genome Aggregation Database) is higher than would generally be expected for pathogenic variants in this gene. Analysis of this variant using bioinformatics tools for the prediction of the effect of amino acid changes on protein structure and function yielded predictions that this variant is damaging. Based on the available information, we are unable to determine the clinical significance of this variant.

Color Diagnostics, LLC DBA Color Health
Classification: Likely benign for Hereditary cancer-predisposing syndrome. Last evaluated: 2025-02-10. Review status: criteria provided, single submitter. Criteria: ACMG Guidelines, 2015. Collection method: clinical testing. Allele origin: germline.

Blueprint Genetics
Classification: Uncertain significance. Last evaluated: 2024-11-25. Review status: criteria provided, single submitter. Criteria: ACMG Guidelines, 2015. Collection method: clinical testing. Allele origin: germline.

All of Us Research Program, National Institutes of Health
Classification: Uncertain significance for Classic or attenuated familial adenomatous polyposis. Last evaluated: 2024-08-06. Review status: criteria provided, single submitter. Criteria: ACMG Guidelines, 2015. Collection method: clinical testing. Allele origin: germline. Inheritance: Autosomal dominant inheritance. Observed: 17 variant alleles, 17 heterozygotes.
Comment: This missense variant replaces proline with arginine at codon 2158 of the APC protein. Computational prediction is inconclusive regarding the impact of this variant on protein structure and function (internally defined REVEL score threshold 0.5 < inconclusive < 0.7, PMID: 27666373). To our knowledge, functional studies have not been reported for this variant. This variant has been observed in individuals affected with colorectal adenomas (PMID: 18199528), colorectal cancer (PMID: 27978560), breast cancer (PMID: 25186627) or referred for hereditary cancer screening (PMID: 31159747). This variant has also been identified in 14/281472 chromosomes in the general population by the Genome Aggregation Database (gnomAD). The available evidence is insufficient to determine the role of this variant in disease conclusively. Therefore, this variant is classified as a Variant of Uncertain Significance.

This study involves interpretation of variants in research participants for the purpose of population health screening. Participant phenotype was not available at the time of variant classification. Additional details can be found in publication PMID: 35346344, PMCID: PMC8962531

GeneDx
Classification: Uncertain significance. Last evaluated: 2022-09-29. Review status: criteria provided, single submitter. Criteria: GeneDx Variant Classification Process June 2021. Collection method: clinical testing. Allele origin: germline. Affected: yes.
Comment: In silico analysis supports that this missense variant does not alter protein structure/function; This variant is associated with the following publications: (PMID: 21859464, 18199528, 27978560, 29148535, 25186627, 26580448, 29684080, 31159747)

St. Jude Molecular Pathology, St. Jude Children's Research Hospital
Classification: Uncertain significance for Familial adenomatous polyposis 1. Last evaluated: 2021-08-03. Review status: criteria provided, single submitter. Criteria: St. Jude Assertion Criteria 2020. Collection method: clinical testing. Allele origin: germline.

Ambry Genetics
Classification: Likely benign for Hereditary cancer-predisposing syndrome. Last evaluated: 2021-03-09. Review status: criteria provided, single submitter. Criteria: Ambry Variant Classification Scheme 2023. Collection method: clinical testing. Allele origin: germline.

Mendelics
Classification: Uncertain significance for Familial adenomatous polyposis 1. Last evaluated: 2019-05-28. Review status: criteria provided, single submitter. Criteria: Mendelics Assertion Criteria 2017. Collection method: clinical testing. Allele origin: unknown.

Women's Health and Genetics/Laboratory Corporation of America, LabCorp
Classification: Uncertain significance. Last evaluated: 2019-01-07. Review status: criteria provided, single submitter. Criteria: LabCorp Variant Classification Summary - May 2015. Collection method: clinical testing. Allele origin: germline.
Comment: Variant summary: The variant, APC c.6473C>G (p.Pro2158Arg) results in a non-conservative amino acid change in the encoded protein sequence. Four of five in-silico tools predict a damaging effect of the variant on protein function. The variant allele was found at a frequency of 5e-05 in 278626 control chromosomes (gnomAD and Azzopardi_2008). The available data on variant occurrences in the general population are insufficient to allow any conclusion about variant significance. The variant, c.6473C>G has been reported in the literature in individuals affected with colorectal cancer, familial adenomatous polyposis, and breast cancer (Azzopardi_2008, Pearlman_2016, Zhang_2015). However, these reports do not provide unequivocal conclusions about association of the variant with Familial Adenomatous Polyposis. To our knowledge, no experimental evidence demonstrating an impact on protein function has been reported. Six clinical diagnostic laboratories have submitted clinical-significance assessments for this variant to ClinVar after 2014 without evidence for independent evaluation. All laboratories classified the variant as uncertain significance. Based on the evidence outlined above, the variant was classified as uncertain significance.

GeneKor MSA
Classification: Uncertain significance for Hereditary cancer-predisposing syndrome. Last evaluated: 2018-08-01. Review status: criteria provided, single submitter. Criteria: ACMG Guidelines, 2015. Collection method: clinical testing. Allele origin: germline.

Laboratory for Molecular Medicine, Mass General Brigham Personalized Medicine
Classification: Uncertain significance. Last evaluated: 2016-06-23. Review status: criteria provided, single submitter. Criteria: LMM Criteria. Collection method: clinical testing. Allele origin: germline.
Comment: Variant identified in a genome or exome case(s) and assessed due to predicted null impact of the variant or pathogenic assertions in the literature or databases. Disclaimer: This variant has not undergone full assessment. Clinvar: 4 vus

Pathway Genomics
Classification: Uncertain significance for Adenomatous polyposis coli. Last evaluated: 2014-07-24. Review status: no assertion criteria provided. Collection method: clinical testing. Allele origin: germline. Not counted in ClinVar's aggregate classification.

Literature cited by the submitters: PubMed 34326862 (cited by Quest Diagnostics Nichols Institute San Juan Capistrano); PubMed 18199528 (cited by 5 submitters); PubMed 21859464 (cited by Quest Diagnostics Nichols Institute San Juan Capistrano and Ambry Genetics); PubMed 27978560 (cited by 4 submitters); PubMed 31159747 (cited by 3 submitters); PubMed 26580448 (cited by 3 submitters); PubMed 25186627 (cited by 3 submitters); PubMed 29684080 (cited by Ambry Genetics).